The following is an entry in ClinVar:

ClinVar aggregate classification (germline): Uncertain significance. Review status: criteria provided, multiple submitters, no conflicts (2 of 4 stars). 2 submissions from 2 submitters: Uncertain significance (2). Last evaluated 2024-12-13.

Conditions:
Inborn genetic diseases. Identifiers: MedGen C0950123, MeSH D030342.

Allele frequency attached by ClinVar (database versions not stated): gnomAD 0.00001; gnomAD exomes 0.00003; TOPMed 0.00003; ExAC 0.00010.
gnomAD v4.1: 10 of 1,576,088 alleles (0.00063%); highest among the groups gnomAD compares: Admixed American, 0.014%; no homozygotes.

Submissions (2):

Ambry Genetics
Classification: Uncertain significance for Inborn genetic diseases. Last evaluated: 2024-12-13. Review status: criteria provided, single submitter. Criteria: Ambry Variant Classification Scheme 2023. Collection method: clinical testing. Allele origin: germline.

Labcorp Genetics (formerly Invitae), Labcorp
Classification: Uncertain significance. Last evaluated: 2024-05-26. Review status: criteria provided, single submitter. Criteria: Invitae Variant Classification Sherloc (09022015). Collection method: clinical testing. Allele origin: germline.
Comment: This sequence change replaces arginine, which is basic and polar, with glutamine, which is neutral and polar, at codon 365 of the PDZD7 protein (p.Arg365Gln). The frequency data for this variant in the population databases is considered unreliable, as metrics indicate poor data quality at this position in the gnomAD database. This variant has not been reported in the literature in individuals affected with PDZD7-related conditions. ClinVar contains an entry for this variant (Variation ID: 1463661). Advanced modeling of protein sequence and biophysical properties (such as structural, functional, and spatial information, amino acid conservation, physicochemical variation, residue mobility, and thermodynamic stability) performed at Invitae indicates that this missense variant is not expected to disrupt PDZD7 protein function with a negative predictive value of 80%. In summary, the available evidence is currently insufficient to determine the role of this variant in disease. Therefore, it has been classified as a Variant of Uncertain Significance.

NM_001195263.2(PDZD7):c.1094G>A (p.Arg365Gln)

Gene: PDZD7 (PDZ domain containing 7; minus strand). Cytogenetic location: 10q24.31.
Variant type: single nucleotide variant.
Coding change: c.1094G>A on transcript NM_001195263.2 (MANE Select); coding-DNA position 1094, G replaced by A.
Protein change: p.Arg365Gln; replaces arginine 365 with glutamine.
Molecular consequence: missense variant.
Genome position (GRCh38, 1-based): chr10:101,019,052, C>T on the plus strand (G>A on the coding strand, the complement: PDZD7 is on the minus strand). VCF-style: chr10-101019052-C-T. GRCh37 (hg19) VCF-style: chr10-102778809-C-T.
Other names: c.1094G>A (NM_001195263.1); c.1094G>A, p.Arg365Gln (NM_001351044.2, NM_024895.5); short protein forms R365Q.
Identifiers: ClinVar variation 1463661 (VCV001463661.7), dbSNP rs779994503, ClinGen allele CA5654161.